The following is an entry in ClinVar:

NM_000138.5(FBN1):c.5862C>G (p.Phe1954Leu)

Gene: FBN1 (fibrillin 1; minus strand). Cytogenetic location: 15q21.1.
Variant type: single nucleotide variant.
Coding change: c.5862C>G on transcript NM_000138.5 (MANE Select); coding-DNA position 5862, C replaced by G.
Protein change: p.Phe1954Leu; replaces phenylalanine 1954 with leucine.
Molecular consequence: missense variant.
Genome position (GRCh38, 1-based): chr15:48,445,431, G>C on the plus strand (C>G on the coding strand, the complement: FBN1 is on the minus strand). VCF-style: chr15-48445431-G-C. GRCh37 (hg19) VCF-style: chr15-48737628-G-C.
Other names: c.5862C>G, p.Phe1954Leu (NM_001406716.1); short protein forms F1954L.
Identifiers: ClinVar variation 2950335 (VCV002950335.3), dbSNP rs2043151100, ClinGen allele CA392340042.

ClinVar aggregate classification (germline): Likely pathogenic (1 of 4 stars; one submission).

Conditions:
Marfan syndrome (MFS). Also called: MARFAN SYNDROME, TYPE I; Marfan syndrome type 1; Marfan's syndrome; Marfan syndrome, classic; FBN1-Related Marfan Syndrome. Identifiers: Orphanet 284963, Orphanet 558, MedGen C0024796, MONDO:0007947, OMIM 154700.
Familial thoracic aortic aneurysm and aortic dissection (TAAD). Also called: Thoracic aortic aneurysms and dissections. Identifiers: Orphanet 91387, MedGen C4707243, MONDO:0019625.

Submission:

Labcorp Genetics (formerly Invitae), Labcorp
Classification: Likely pathogenic for Marfan syndrome; Familial thoracic aortic aneurysm and aortic dissection. Last evaluated: 2023-08-02. Review status: criteria provided, single submitter. Criteria: Invitae Variant Classification Sherloc (09022015). Collection method: clinical testing. Allele origin: germline.
Comment: This variant disrupts the p.Phe1954 amino acid residue in FBN1. Other variant(s) that disrupt this residue have been determined to be pathogenic (PMID: 19839986, 25101912; Invitae). This suggests that this residue is clinically significant, and that variants that disrupt this residue are likely to be disease-causing. Advanced modeling of protein sequence and biophysical properties (such as structural, functional, and spatial information, amino acid conservation, physicochemical variation, residue mobility, and thermodynamic stability) performed at Invitae indicates that this missense variant is expected to disrupt FBN1 protein function. This variant has not been reported in the literature in individuals affected with FBN1-related conditions. This variant is not present in population databases (gnomAD no frequency). This sequence change replaces phenylalanine, which is neutral and non-polar, with leucine, which is neutral and non-polar, at codon 1954 of the FBN1 protein (p.Phe1954Leu). In summary, the currently available evidence indicates that the variant is pathogenic, but additional data are needed to prove that conclusively. Therefore, this variant has been classified as Likely Pathogenic.

Literature cited by the submitters: PubMed 19839986; PubMed 25101912.